The following is an entry in ClinVar:

NM_002497.4(NEK2):c.1110del (p.Glu371fs)

Gene: NEK2 (NIMA related kinase 2; minus strand). Cytogenetic location: 1q32.3.
Variant type: Deletion.
Coding change: c.1110del on transcript NM_002497.4 (MANE Select); coding-DNA position 1110, one base deleted (A; older notation c.1110delA).
Protein change: p.Glu371fs; shifts the reading frame from glutamic acid 371.
Molecular consequence: frameshift variant.
Genome position (GRCh38, 1-based): chr1:211,667,107, T deleted on the plus strand (A on the coding strand, the reverse complement: NEK2 is on the minus strand). VCF-style (leftmost placement, unchanged base first): chr1-211667106-CT-C. GRCh37 (hg19) VCF-style: chr1-211840448-CT-C.
Other names: c.1110del, p.Glu371fs (NM_001204182.2); c.1110del, p.Gly371fs (NM_001204183.2); short protein forms E371fs, G371fs.
Identifiers: ClinVar variation 1479505 (VCV001479505.6), dbSNP rs1369332808, ClinGen allele CA529000965.
Genomic context (GRCh38, chr1:211,667,106, plus strand): 5'-ACTGGTGCACATTTCTTCATTTGTAGCACCAGCTTCTGTTGACCAAGTTGATTCTCATAC[CT>C]GGATTACTTGCCAGAGACAGGAACTTCCGTTCCTTTAGCAAGCTGTAGTTCTTCAACAGA-3'

ClinVar aggregate classification (germline): Uncertain significance (1 of 4 stars; one submission).

Allele frequency attached by ClinVar (database versions not stated): gnomAD exomes below 0.00001; TOPMed below 0.00001.

Submission:

Labcorp Genetics (formerly Invitae), Labcorp
Classification: Uncertain significance. Last evaluated: 2024-01-27. Review status: criteria provided, single submitter. Criteria: Invitae Variant Classification Sherloc (09022015). Collection method: clinical testing. Allele origin: germline.
Comment: This sequence change creates a premature translational stop signal (p.Glu371Asnfs*9) in the NEK2 gene. While this is not anticipated to result in nonsense mediated decay, it is expected to disrupt the last 75 amino acid(s) of the NEK2 protein. This variant is present in population databases (no rsID available, gnomAD no frequency). This variant has not been reported in the literature in individuals affected with NEK2-related conditions. ClinVar contains an entry for this variant (Variation ID: 1479505). Experimental studies and prediction algorithms are not available or were not evaluated, and the functional significance of this variant is currently unknown. Algorithms developed to predict the effect of sequence changes on RNA splicing suggest that this variant may disrupt the consensus splice site. In summary, the available evidence is currently insufficient to determine the role of this variant in disease. Therefore, it has been classified as a Variant of Uncertain Significance.